The following is an entry in ClinVar:

ClinVar aggregate classification (germline): Likely benign. Review status: criteria provided, multiple submitters, no conflicts (2 of 4 stars). 4 submissions from 4 submitters: Likely benign (3). 1 of the submissions does not count toward it. Last evaluated 2025-10-01.

Conditions:
CREBBP-related disorder. Also called: CREBBP-related condition; CREBBP-related disorders.
Rubinstein-Taybi syndrome (RSTS). Identifiers: Orphanet 783, MedGen C0035934, MONDO:0019188.

Allele frequency attached by ClinVar (database versions not stated): gnomAD exomes 0.00003 and 0.00005; ExAC 0.00007; gnomAD 0.00009; TOPMed 0.00010; ESP Exome Variant Server 0.00015; 1000 Genomes Project 30x 0.00031; 1000 Genomes Project 0.00040.
gnomAD v4.1: 62 of 1,613,938 alleles (0.0038%); highest among the groups gnomAD compares: African/African-American, 0.024%; no homozygotes.

Submissions (4):

CeGaT Center for Human Genetics Tuebingen
Classification: Likely benign. Last evaluated: 2025-10-01. Review status: criteria provided, single submitter. Criteria: CeGaT Center For Human Genetics Tuebingen Variant Classification Criteria Version 2. Collection method: clinical testing. Allele origin: germline. Affected: yes. Observed: 1 variant allele.
Comment: CREBBP: BP4, BP7

Blueprint Genetics
Classification: Likely benign. Last evaluated: 2024-10-08. Review status: criteria provided, single submitter. Criteria: ACMG Guidelines, 2015. Collection method: clinical testing. Allele origin: germline.

Labcorp Genetics (formerly Invitae), Labcorp
Classification: Likely benign for Rubinstein-Taybi syndrome. Last evaluated: 2023-11-18. Review status: criteria provided, single submitter. Criteria: Invitae Variant Classification Sherloc (09022015). Collection method: clinical testing. Allele origin: germline.

PreventionGenetics, part of Exact Sciences
Classification: Likely benign for CREBBP-related condition. Last evaluated: 2023-08-09. Review status: no assertion criteria provided. Collection method: clinical testing. Allele origin: germline. Not counted in ClinVar's aggregate classification.
Comment: This variant is classified as likely benign based on ACMG/AMP sequence variant interpretation guidelines (Richards et al. 2015 PMID: 25741868, with internal and published modifications).

NM_004380.3(CREBBP):c.6324C>T (p.Tyr2108=)

Gene: CREBBP (CREB binding lysine acetyltransferase; minus strand). Cytogenetic location: 16p13.3.
Variant type: single nucleotide variant.
Coding change: c.6324C>T on transcript NM_004380.3 (MANE Select); coding-DNA position 6324, C replaced by T.
Protein change: p.Tyr2108=; no amino-acid change (tyrosine 2108 retained).
Molecular consequence: synonymous variant.
Genome position (GRCh38, 1-based): chr16:3,728,723, G>A on the plus strand (C>T on the coding strand, the complement: CREBBP is on the minus strand). VCF-style: chr16-3728723-G-A. GRCh37 (hg19) VCF-style: chr16-3778724-G-A.
Other names: c.6210C>T, p.Tyr2070= (NM_001079846.1).
Identifiers: ClinVar variation 767625 (VCV000767625.17), dbSNP rs199821421, ClinGen allele CA7869143.